The following is an entry in ClinVar:

ClinVar aggregate classification (germline): Uncertain significance (1 of 4 stars; one submission).

Submission:

Labcorp Genetics (formerly Invitae), Labcorp
Classification: Uncertain significance. Last evaluated: 2022-04-25. Review status: criteria provided, single submitter. Criteria: Invitae Variant Classification Sherloc (09022015). Collection method: clinical testing. Allele origin: germline.
Comment: In summary, the available evidence is currently insufficient to determine the role of this variant in disease. Therefore, it has been classified as a Variant of Uncertain Significance. Algorithms developed to predict the effect of missense changes on protein structure and function (SIFT, PolyPhen-2, Align-GVGD) all suggest that this variant is likely to be tolerated. This variant has not been reported in the literature in individuals affected with TONSL-related conditions. This variant is not present in population databases (gnomAD no frequency). This sequence change replaces glutamine, which is neutral and polar, with arginine, which is basic and polar, at codon 217 of the TONSL protein (p.Gln217Arg).

NM_013432.5(TONSL):c.650A>G (p.Gln217Arg)

Gene: TONSL (tonsoku like, DNA repair protein; minus strand). Cytogenetic location: 8q24.3.
Variant type: single nucleotide variant.
Coding change: c.650A>G on transcript NM_013432.5 (MANE Select); coding-DNA position 650, A replaced by G.
Protein change: p.Gln217Arg; replaces glutamine 217 with arginine.
Molecular consequence: missense variant.
Genome position (GRCh38, 1-based): chr8:144,442,341, T>C on the plus strand (A>G on the coding strand, the complement: TONSL is on the minus strand). VCF-style: chr8-144442341-T-C. GRCh37 (hg19) VCF-style: chr8-145667724-T-C.
Other names: short protein forms Q217R.
Identifiers: ClinVar variation 1978104 (VCV001978104.5), dbSNP rs2537506942, ClinGen allele CA372676749.